The following is an entry in ClinVar:

ClinVar aggregate classification (germline): Conflicting classifications of pathogenicity. Review status: criteria provided, conflicting classifications (1 of 4 stars). 6 submissions from 6 submitters: Uncertain significance (3); Likely benign (1). 2 of the submissions do not count toward it. Last evaluated 2024-01-05.

Conditions:
Breast-ovarian cancer, familial, susceptibility to, 2 (BROVCA2). Also called: BRCA2 Hereditary Breast and Ovarian Cancer. Identifiers: Orphanet 145, MedGen C2675520, MONDO:0012933, OMIM 612555. Disease mechanism: loss of function.
Breast and/or ovarian cancer. Identifiers: MedGen CN221562.
Hereditary cancer-predisposing syndrome. Also called: Tumor predisposition; Hereditary Cancer Syndrome; Neoplastic Syndromes, Hereditary; Hereditary neoplastic syndrome. Identifiers: Orphanet 140162, MedGen C0027672, MeSH D009386, MONDO:0015356.
Hereditary breast ovarian cancer syndrome. Also called: Breast and ovarian cancer; Hereditary breast and ovarian cancer; Hereditary breast and ovarian cancer syndrome; BRCA1- and BRCA2-Associated Hereditary Breast and Ovarian Cancer; Hereditary breast and ovarian cancer syndrome (HBOC); Hereditary breast and/or ovarian cancer syndrome. Identifiers: Orphanet 145, MedGen C0677776, MeSH D061325, MONDO:0003582. Disease mechanism: loss of function.

Allele frequency attached by ClinVar (database versions not stated): TOPMed 0.00001.

Submissions (6):

Ambry Genetics
Classification: Uncertain significance for Hereditary cancer-predisposing syndrome. Last evaluated: 2024-01-05. Review status: criteria provided, single submitter. Criteria: Ambry Variant Classification Scheme 2023. Collection method: clinical testing. Allele origin: germline.
Comment: The p.I682T variant (also known as c.2045T>C), located in coding exon 10 of the BRCA2 gene, results from a T to C substitution at nucleotide position 2045. The isoleucine at codon 682 is replaced by threonine, an amino acid with similar properties. This amino acid position is not well conserved in available vertebrate species. In addition, this alteration is predicted to be tolerated by in silico analysis. Since supporting evidence is limited at this time, the clinical significance of this alteration remains unclear.

University of Washington Department of Laboratory Medicine, University of Washington
Classification: Likely benign for Hereditary cancer-predisposing syndrome. Last evaluated: 2023-03-23. Review status: criteria provided, single submitter. Criteria: Dines et al. (Genet Med. 2020). Collection method: curation. Allele origin: germline.
Comment: Missense variant in a coldspot region where missense variants are very unlikely to be pathogenic (PMID:31911673).

BRCA2 exon 11 coldspot. Reclassification based on statistical prior probability.

Labcorp Genetics (formerly Invitae), Labcorp
Classification: Uncertain significance for Hereditary breast ovarian cancer syndrome. Last evaluated: 2020-09-09. Review status: criteria provided, single submitter. Criteria: Invitae Variant Classification Sherloc (09022015). Collection method: clinical testing. Allele origin: germline.
Comment: In summary, the available evidence is currently insufficient to determine the role of this variant in disease. Therefore, it has been classified as a Variant of Uncertain Significance. Algorithms developed to predict the effect of missense changes on protein structure and function output the following: SIFT: "Tolerated"; PolyPhen-2: "Benign"; Align-GVGD: "Class C0". The threonine amino acid residue is found in multiple mammalian species, suggesting that this missense change does not adversely affect protein function. These predictions have not been confirmed by published functional studies and their clinical significance is uncertain. This variant has not been reported in the literature in individuals with BRCA2-related disease. ClinVar contains an entry for this variant (Variation ID: 91768). This variant is not present in population databases (ExAC no frequency). This sequence change replaces isoleucine with threonine at codon 682 of the BRCA2 protein (p.Ile682Thr). The isoleucine residue is moderately conserved and there is a moderate physicochemical difference between isoleucine and threonine.

CHEO Genetics Diagnostic Laboratory, Children's Hospital of Eastern Ontario
Classification: Uncertain significance for Breast and/or ovarian cancer. Last evaluated: 2017-06-06. Review status: criteria provided, single submitter. Criteria: ACMG Guidelines, 2015. Collection method: clinical testing. Allele origin: germline. Study: Canadian Open Genetics Repository.

Department of Medical and Surgical Sciences, University of Bologna
Classification: Likely benign for Breast-ovarian cancer, familial, susceptibility to, 2. Last evaluated: 2023-09-01. Review status: no assertion criteria provided. Collection method: clinical testing. Allele origin: germline. Affected: yes. Not counted in ClinVar's aggregate classification.
Comment: PM2(Supporting)+BP1(Strong) according to ACMG/AMP classification guidelines specified for BRCA1 & BRCA2 (Classification Criteria V1.0.0 2023-09-08) (PMID: 38160042)

Sharing Clinical Reports Project (SCRP)
Classification: Uncertain significance for Breast-ovarian cancer, familial 2. Last evaluated: 2012-07-06. Review status: no assertion criteria provided. Collection method: clinical testing. Allele origin: germline. Not counted in ClinVar's aggregate classification.

NM_000059.4(BRCA2):c.2045T>C (p.Ile682Thr)

Gene: BRCA2 (BRCA2 DNA repair associated; plus strand). Cytogenetic location: 13q13.1.
Variant type: single nucleotide variant.
Coding change: c.2045T>C on transcript NM_000059.4 (MANE Select); coding-DNA position 2045, T replaced by C.
Protein change: p.Ile682Thr; replaces isoleucine 682 with threonine.
Molecular consequence: missense variant.
Genome position (GRCh38, 1-based): chr13:32,336,400, T>C. VCF-style: chr13-32336400-T-C. GRCh37 (hg19) VCF-style: chr13-32910537-T-C.
Other names: 2273T>C; short protein forms I682T.
Identifiers: ClinVar variation 91768 (VCV000091768.15), dbSNP rs398122739, ClinGen allele CA014216.